The following is an entry in ClinVar:

ClinVar aggregate classification (germline): Pathogenic/Likely pathogenic. Review status: criteria provided, multiple submitters, no conflicts (2 of 4 stars). 4 submissions from 4 submitters: Pathogenic (2); Likely pathogenic (1). 1 of the submissions does not count toward it. Last evaluated 2025-03-21.

Conditions:
Combined oxidative phosphorylation deficiency 44. Also called: FASTKD2-Related Combined Oxidative Phosphorylation Deficiency. Identifiers: MedGen C5394293, MONDO:0030020, OMIM 618855.
Mitochondrial complex IV deficiency, nuclear type 1 (MC4DN1). Also called: COX DEFICIENCY; Complex 4 mitochondrial respiratory chain deficiency; Deficiency of mitochondrial respiratory chain complex4; Complex IV deficiency; Mitochondrial complex IV deficiency. Identifiers: MedGen C5435656, MONDO:0700250, OMIM 220110. Disease mechanism: loss of function.

Allele frequency attached by ClinVar (database versions not stated): TOPMed below 0.00001; gnomAD exomes 0.00001.
gnomAD v4.1: 21 of 1,611,746 alleles (0.0013%); highest among the groups gnomAD compares: East Asian, 0.0022%; no homozygotes.

Submissions (4):

First Genomix Gene Laboratory, Genetic Diagnostics Department
Classification: Likely pathogenic for Combined oxidative phosphorylation deficiency 44. Last evaluated: 2025-03-21. Review status: criteria provided, single submitter. Criteria: ACMG Guidelines, 2015. Collection method: clinical testing. Allele origin: germline. Inheritance: Autosomal recessive inheritance. Affected: no. Observed: 1 variant allele.

Mendelics
Classification: Pathogenic for Mitochondrial complex IV deficiency, nuclear type 1. Last evaluated: 2019-05-28. Review status: criteria provided, single submitter. Criteria: Mendelics Assertion Criteria 2017. Collection method: clinical testing. Allele origin: unknown.

Juno Genomics, Hangzhou Juno Genomics, Inc
Classification: Pathogenic for Combined oxidative phosphorylation deficiency 44. Review status: criteria provided, single submitter. Criteria: ACMG Guidelines, 2015. Collection method: clinical testing. Allele origin: germline.
Comment: Absent from controls (or at extremely low frequency if recessive) in Genome Aggregation Database.;Null variant in a gene where loss of function (LOF) is a known mechanism of disease.;For recessive disorders, detected in trans with a pathogenic variant.

OMIM
Classification: Pathogenic for COMBINED OXIDATIVE PHOSPHORYLATION DEFICIENCY 44. Last evaluated: 2008-09-01. Review status: no assertion criteria provided. Collection method: literature only. Allele origin: germline. Not counted in ClinVar's aggregate classification.

Literature cited by the submitters: PubMed 18771761 (cited by OMIM).

NM_001136193.2(FASTKD2):c.1294C>T (p.Arg432Ter)

Gene: FASTKD2 (FASTK mitochondrial RNA regulator 2; plus strand). Cytogenetic location: 2q33.3.
Variant type: single nucleotide variant.
Coding change: c.1294C>T on transcript NM_001136193.2 (MANE Select); coding-DNA position 1294, C replaced by T.
Protein change: p.Arg432Ter; replaces arginine 432 with a stop codon.
Molecular consequence: nonsense.
Genome position (GRCh38, 1-based): chr2:206,774,264, C>T. VCF-style: chr2-206774264-C-T. GRCh37 (hg19) VCF-style: chr2-207638988-C-T.
Other names: R416*; c.1294C>T, p.Arg432Ter (NM_001136194.2, NM_014929.4); short protein forms R432*.
Identifiers: ClinVar variation 641 (VCV000000641.6), dbSNP rs118203917, ClinGen allele CA114376.